The following is an entry in ClinVar:

NM_000070.3(CAPN3):c.1783-5_1784del

Gene: CAPN3 (calpain 3; plus strand). Cytogenetic location: 15q15.1.
Variant type: Deletion.
Coding change: c.1783-5_1784del on transcript NM_000070.3 (MANE Select); 5 bases into the intron before coding-DNA position 1783 through coding-DNA position 1784, 7 bases deleted (TGCAGAA; older notation c.1783-5_1784delTGCAGAA).
Molecular consequence: splice acceptor variant. On other transcripts: intron variant (3).
Genome position (GRCh38, 1-based): chr15:42,405,921-42,405,927, TGCAGAA deleted; deleting any 7 consecutive bases within chr15:42,405,920-42,405,927 gives the same sequence; the c. name uses the placement nearest the transcript's 3' end. VCF-style (leftmost placement, unchanged base first): chr15-42405919-TATGCAGA-T. GRCh37 (hg19) VCF-style: chr15-42698117-TATGCAGA-T.
Other names: c.1782+2144_1782+2150del (NM_024344.2); c.1638+2144_1638+2150del (NM_173087.2); c.247-5_248del (NM_173088.2); c.-99-5_-98del (NM_173090.2); c.-82+966_-82+972del (NM_173089.2).
Identifiers: ClinVar variation 2198586 (VCV002198586.5), dbSNP rs2548284438, ClinGen allele CA2580089401.

ClinVar aggregate classification (germline): Likely pathogenic. Review status: criteria provided, multiple submitters, no conflicts (2 of 4 stars). 2 submissions from 2 submitters: Likely pathogenic (2). Last evaluated 2023-11-08.

Conditions:
Autosomal recessive limb-girdle muscular dystrophy type 2A (LGMDR1). Also called: LEYDEN-MOEBIUS MUSCULAR DYSTROPHY; MUSCULAR DYSTROPHY, PELVOFEMORAL; Limb-girdle muscular dystrophy, type 2A; Calpainopathy; Muscular dystrophy, limb-girdle, type 2A, Amish. Identifiers: Orphanet 267, MedGen C1869123, MONDO:0009675, OMIM 253600. Disease mechanism: loss of function.
Muscular dystrophy, limb-girdle, autosomal dominant 4. Also called: MUSCULAR DYSTROPHY, LIMB-GIRDLE, TYPE 1I; Calpain-3-related limb-girdle muscular dystrophy D4. Identifiers: Orphanet 565909, MedGen C4748295, MONDO:0029133, OMIM 618129.

Submissions (2):

Baylor Genetics
Classification: Likely pathogenic for Muscular dystrophy, limb-girdle, autosomal dominant 4. Last evaluated: 2023-11-08. Review status: criteria provided, single submitter. Criteria: ACMG Guidelines, 2015. Collection method: clinical testing. Allele origin: unknown.

Labcorp Genetics (formerly Invitae), Labcorp
Classification: Likely pathogenic for Autosomal recessive limb-girdle muscular dystrophy type 2A. Last evaluated: 2021-12-16. Review status: criteria provided, single submitter. Criteria: Invitae Variant Classification Sherloc (09022015). Collection method: clinical testing. Allele origin: germline.
Comment: In summary, the currently available evidence indicates that the variant is pathogenic, but additional data are needed to prove that conclusively. Therefore, this variant has been classified as Likely Pathogenic. Algorithms developed to predict the effect of sequence changes on RNA splicing suggest that this variant may disrupt the consensus splice site. This variant has been observed in individual(s) with limb-girdle weakness (PMID: 32528171). This variant is not present in population databases (gnomAD no frequency). This variant results in the deletion of part of exon 15 (c.1783-5_1784del) of the CAPN3 gene. It is expected to disrupt RNA splicing. Variants that disrupt the donor or acceptor splice site typically lead to a loss of protein function (PMID: 16199547), and loss-of-function variants in CAPN3 are known to be pathogenic (PMID: 10330340, 15689361).

Literature cited by the submitters: PubMed 32528171 (cited by Labcorp Genetics (formerly Invitae), Labcorp); PubMed 16199547 (cited by Labcorp Genetics (formerly Invitae), Labcorp); PubMed 10330340 (cited by Labcorp Genetics (formerly Invitae), Labcorp); PubMed 15689361 (cited by Labcorp Genetics (formerly Invitae), Labcorp).